The following is an entry in ClinVar:

ClinVar aggregate classification (germline): Benign/Likely benign. Review status: criteria provided, multiple submitters, no conflicts (2 of 4 stars). 2 submissions from 2 submitters: Benign (1); Likely benign (1). Last evaluated 2025-12-01.

Allele frequency attached by ClinVar (database versions not stated): gnomAD exomes 0.00023 and 0.00054; ExAC 0.00792.

Submissions (2):

CeGaT Center for Human Genetics Tuebingen
Classification: Likely benign. Last evaluated: 2025-12-01. Review status: criteria provided, single submitter. Criteria: CeGaT Center For Human Genetics Tuebingen Variant Classification Criteria Version 2. Collection method: clinical testing. Allele origin: germline. Affected: yes. Observed: 2 variant alleles.
Comment: SHANK3: BP4, BP7

GeneDx
Classification: Benign. Last evaluated: 2019-07-22. Review status: criteria provided, single submitter. Criteria: GeneDx Variant Classification Process June 2021. Collection method: clinical testing. Allele origin: germline. Affected: yes.

NM_001372044.2(SHANK3):c.1587G>A (p.Ala529=)

Gene: SHANK3 (SH3 and multiple ankyrin repeat domains 3; plus strand). Cytogenetic location: 22q13.33.
Variant type: single nucleotide variant.
Coding change: c.1587G>A on transcript NM_001372044.2 (MANE Select); coding-DNA position 1587, G replaced by A.
Protein change: p.Ala529=; no amino-acid change (alanine 529 retained).
Molecular consequence: synonymous variant.
Genome position (GRCh38, 1-based): chr22:50,697,579, G>A. VCF-style: chr22-50697579-G-A. GRCh37 (hg19) VCF-style: chr22-51136007-G-A.
Other names: c.1362G>A (NM_033517.1).
Identifiers: ClinVar variation 1225234 (VCV001225234.11), dbSNP rs758337485, ClinGen allele CA10325519.